The following is an entry in ClinVar:

ClinVar aggregate classification (germline): Uncertain significance (1 of 4 stars; one submission).

Allele frequency attached by ClinVar (database versions not stated): TOPMed below 0.00001.

Submission:

Labcorp Genetics (formerly Invitae), Labcorp
Classification: Uncertain significance. Last evaluated: 2021-04-24. Review status: criteria provided, single submitter. Criteria: Invitae Variant Classification Sherloc (09022015). Collection method: clinical testing. Allele origin: germline.
Comment: In summary, the available evidence is currently insufficient to determine the role of this variant in disease. Therefore, it has been classified as a Variant of Uncertain Significance. Algorithms developed to predict the effect of missense changes on protein structure and function (SIFT, PolyPhen-2, Align-GVGD) all suggest that this variant is likely to be disruptive, but these predictions have not been confirmed by published functional studies and their clinical significance is uncertain. This variant has not been reported in the literature in individuals with PRDM13-related conditions. This variant is not present in population databases (ExAC no frequency). This sequence change replaces tyrosine with cysteine at codon 577 of the PRDM13 protein (p.Tyr577Cys). The tyrosine residue is highly conserved and there is a large physicochemical difference between tyrosine and cysteine.

NM_021620.4(PRDM13):c.1730A>G (p.Tyr577Cys)

Gene: PRDM13 (PR/SET domain 13; plus strand). Cytogenetic location: 6q16.2.
Variant type: single nucleotide variant.
Coding change: c.1730A>G on transcript NM_021620.4 (MANE Select); coding-DNA position 1730, A replaced by G.
Protein change: p.Tyr577Cys; replaces tyrosine 577 with cysteine.
Molecular consequence: missense variant.
Genome position (GRCh38, 1-based): chr6:99,614,365, A>G. VCF-style: chr6-99614365-A-G. GRCh37 (hg19) VCF-style: chr6-100062241-A-G.
Other names: short protein forms Y577C.
Identifiers: ClinVar variation 1037275 (VCV001037275.8), dbSNP rs1770094420, ClinGen allele CA365121233.